The following is an entry in ClinVar:

ClinVar aggregate classification (germline): Uncertain significance (0 of 4 stars; one submission).

Conditions:
PLXNA4-related disorder. Also called: PLXNA4-related condition.

Allele frequency attached by ClinVar (database versions not stated): gnomAD exomes 0.00004; TOPMed 0.00005; ExAC 0.00006; gnomAD 0.00006; ESP Exome Variant Server 0.00015.
gnomAD v4.1: 65 of 1,592,482 alleles (0.0041%); highest among the groups gnomAD compares: Middle Eastern, 0.067%; no homozygotes.

Submission:

PreventionGenetics, part of Exact Sciences
Classification: Uncertain significance for PLXNA4-related condition. Last evaluated: 2024-05-17. Review status: no assertion criteria provided. Collection method: clinical testing. Allele origin: germline.
Comment: The PLXNA4 c.4040G>A variant is predicted to result in the amino acid substitution p.Arg1347His. To our knowledge, this variant has not been reported in the literature. This variant is reported in 0.021% of alleles in individuals of East Asian descent in gnomAD. At this time, the clinical significance of this variant is uncertain due to the absence of conclusive functional and genetic evidence.

NM_020911.2(PLXNA4):c.4040G>A (p.Arg1347His)

Gene: PLXNA4 (plexin A4; minus strand). Cytogenetic location: 7q32.3.
Variant type: single nucleotide variant.
Coding change: c.4040G>A on transcript NM_020911.2 (MANE Select); coding-DNA position 4040, G replaced by A.
Protein change: p.Arg1347His; replaces arginine 1347 with histidine.
Molecular consequence: missense variant.
Genome position (GRCh38, 1-based): chr7:132,168,550, C>T on the plus strand (G>A on the coding strand, the complement: PLXNA4 is on the minus strand). VCF-style: chr7-132168550-C-T. GRCh37 (hg19) VCF-style: chr7-131853309-C-T.
Other names: c.4040G>A, p.Arg1347His (NM_001393897.1); short protein forms R1347H.
Identifiers: ClinVar variation 3049466 (VCV003049466.2), dbSNP rs200800715, ClinGen allele CA4489284.